The following is an entry in ClinVar:

NM_001080467.3(MYO5B):c.5015G>C (p.Gly1672Ala)

Genes: MYO5B (myosin VB; minus strand), SNHG22 (small nucleolar RNA host gene 22; plus strand). Cytogenetic location: 18q21.1.
Variant type: single nucleotide variant.
Coding change: c.5015G>C on transcript NM_001080467.3 (MANE Select); coding-DNA position 5015, G replaced by C.
Protein change: p.Gly1672Ala; replaces glycine 1672 with alanine.
Molecular consequence: missense variant.
Genome position (GRCh38, 1-based): chr18:49,837,640, C>G on the plus strand (G>C on the coding strand, the complement: MYO5B is on the minus strand). VCF-style: chr18-49837640-C-G. GRCh37 (hg19) VCF-style: chr18-47364010-C-G.
Other names: c.5015G>C (NM_001080467.2); short protein forms G1672A.
Identifiers: ClinVar variation 1450399 (VCV001450399.4), dbSNP rs780910211, ClinGen allele CA8960169.

ClinVar aggregate classification (germline): Uncertain significance. Review status: criteria provided, multiple submitters, no conflicts (2 of 4 stars). 2 submissions from 2 submitters: Uncertain significance (2). Last evaluated 2025-08-01.

Conditions:
MYO5B-related disorder. Also called: MYO5B-related condition.

Allele frequency attached by ClinVar (database versions not stated): gnomAD exomes 0.00001 and 0.00004; ExAC 0.00002; gnomAD 0.00002; TOPMed 0.00002.
gnomAD v4.1: 17 of 1,613,856 alleles (0.0011%); highest among the groups gnomAD compares: Admixed American, 0.027%; no homozygotes.

Submissions (2):

PreventionGenetics, part of Exact Sciences
Classification: Uncertain significance for MYO5B-related condition. Last evaluated: 2025-08-01. Review status: criteria provided, single submitter. Criteria: ACMG Guidelines, 2015. Collection method: clinical testing. Allele origin: germline.
Comment: The MYO5B c.5015G>C variant is predicted to result in the amino acid substitution p.Gly1672Ala. To our knowledge, this variant has not been reported in the literature. This variant is reported in 0.029% of alleles in individuals of Latino descent in gnomAD. At this time, the clinical significance of this variant is uncertain due to the absence of conclusive functional and genetic evidence.

Labcorp Genetics (formerly Invitae), Labcorp
Classification: Uncertain significance. Last evaluated: 2022-04-06. Review status: criteria provided, single submitter. Criteria: Invitae Variant Classification Sherloc (09022015). Collection method: clinical testing. Allele origin: germline.
Comment: This sequence change replaces glycine, which is neutral and non-polar, with alanine, which is neutral and non-polar, at codon 1672 of the MYO5B protein (p.Gly1672Ala). The frequency data for this variant in the population databases is considered unreliable, as metrics indicate poor data quality at this position in the gnomAD database. This variant has not been reported in the literature in individuals affected with MYO5B-related conditions. Algorithms developed to predict the effect of missense changes on protein structure and function are either unavailable or do not agree on the potential impact of this missense change (SIFT: "Deleterious"; PolyPhen-2: "Possibly Damaging"; Align-GVGD: "Class C0"). In summary, the available evidence is currently insufficient to determine the role of this variant in disease. Therefore, it has been classified as a Variant of Uncertain Significance.